The following is an entry in ClinVar:

NM_144666.3(DNHD1):c.2936G>A (p.Arg979His)

Gene: DNHD1 (dynein heavy chain domain 1; plus strand). Cytogenetic location: 11p15.4.
Variant type: single nucleotide variant.
Coding change: c.2936G>A on transcript NM_144666.3 (MANE Select); coding-DNA position 2936, G replaced by A.
Protein change: p.Arg979His; replaces arginine 979 with histidine.
Molecular consequence: missense variant.
Genome position (GRCh38, 1-based): chr11:6,534,111, G>A. VCF-style: chr11-6534111-G-A. GRCh37 (hg19) VCF-style: chr11-6555341-G-A.
Other names: short protein forms R979H.
Identifiers: ClinVar variation 3049756 (VCV003049756.3), dbSNP rs150883198, ClinGen allele CA5855838.

ClinVar aggregate classification (germline): Uncertain significance. Review status: criteria provided, single submitter (1 of 4 stars). 2 submissions from 2 submitters: Uncertain significance (1). 1 of the submissions does not count toward it. Last evaluated 2025-08-10.

Conditions:
DNHD1-related disorder. Also called: DNHD1-related condition.

Allele frequency attached by ClinVar (database versions not stated): ExAC 0.00119; 1000 Genomes Project 0.00200; 1000 Genomes Project 30x 0.00219; ESP Exome Variant Server 0.00263.
gnomAD v4.1: 965 of 1,551,354 alleles (0.062%); highest among the groups gnomAD compares: African/African-American, 1.1%; 5 homozygotes.

Submissions (2):

Ambry Genetics
Classification: Uncertain significance. Last evaluated: 2025-08-10. Review status: criteria provided, single submitter. Criteria: Ambry Variant Classification Scheme 2023. Collection method: clinical testing. Allele origin: germline.

PreventionGenetics, part of Exact Sciences
Classification: Benign for DNHD1-related condition. Last evaluated: 2019-03-26. Review status: no assertion criteria provided. Collection method: clinical testing. Allele origin: germline. Not counted in ClinVar's aggregate classification.
Comment: This variant is classified as benign based on ACMG/AMP sequence variant interpretation guidelines (Richards et al. 2015 PMID: 25741868, with internal and published modifications).